The following is an entry in ClinVar:

NM_000245.4(MET):c.1235G>T (p.Arg412Leu)

Gene: MET (MET proto-oncogene, receptor tyrosine kinase; plus strand). Cytogenetic location: 7q31.2.
Variant type: single nucleotide variant.
Coding change: c.1235G>T on transcript NM_000245.4 (MANE Select); coding-DNA position 1235, G replaced by T.
Protein change: p.Arg412Leu; replaces arginine 412 with leucine.
Molecular consequence: missense variant. On other transcripts: 5 prime UTR variant (1).
Genome position (GRCh38, 1-based): chr7:116,731,702, G>T. VCF-style: chr7-116731702-G-T. GRCh37 (hg19) VCF-style: chr7-116371756-G-T.
Other names: c.-56G>T (NM_001324402.2); c.1235G>T, p.Arg412Leu (NM_001127500.3, NM_001324401.3); short protein forms R412L.
Identifiers: ClinVar variation 3650520 (VCV003650520.2).

ClinVar aggregate classification (germline): Uncertain significance (1 of 4 stars; one submission).

Conditions:
Renal cell carcinoma. Identifiers: Orphanet 217071, MedGen C0007134, MeSH D002292, MONDO:0005086, HP:0005584.

Submission:

Labcorp Genetics (formerly Invitae), Labcorp
Classification: Uncertain significance for Renal cell carcinoma. Last evaluated: 2024-04-22. Review status: criteria provided, single submitter. Criteria: Invitae Variant Classification Sherloc (09022015). Collection method: clinical testing. Allele origin: germline.
Comment: This sequence change replaces arginine, which is basic and polar, with leucine, which is neutral and non-polar, at codon 412 of the MET protein (p.Arg412Leu). This variant is not present in population databases (gnomAD no frequency). This variant has not been reported in the literature in individuals affected with MET-related conditions. An algorithm developed to predict the effect of missense changes on protein structure and function (PolyPhen-2) suggests that this variant is likely to be disruptive. In summary, the available evidence is currently insufficient to determine the role of this variant in disease. Therefore, it has been classified as a Variant of Uncertain Significance.